The following is an entry in ClinVar:

NM_004393.6(DAG1):c.2652C>A (p.Thr884=)

Gene: DAG1 (dystroglycan 1; plus strand). Cytogenetic location: 3p21.31.
Variant type: single nucleotide variant.
Coding change: c.2652C>A on transcript NM_004393.6 (MANE Select); coding-DNA position 2652, C replaced by A.
Protein change: p.Thr884=; no amino-acid change (threonine 884 retained).
Molecular consequence: synonymous variant.
Genome position (GRCh38, 1-based): chr3:49,533,163, C>A. VCF-style: chr3-49533163-C-A. GRCh37 (hg19) VCF-style: chr3-49570596-C-A.
Other names: c.2652C>A, p.Thr884= (NM_001165928.4, NM_001177634.3, NM_001177635.3 and 9 more transcripts); c.2652C>A (NM_001165928.3).
Identifiers: ClinVar variation 498904 (VCV000498904.14), dbSNP rs762428862, ClinGen allele CA2399305.

ClinVar aggregate classification (germline): Conflicting classifications of pathogenicity. Review status: criteria provided, conflicting classifications (1 of 4 stars). 3 submissions from 3 submitters: Uncertain significance (1); Likely benign (1). 1 of the submissions does not count toward it. Last evaluated 2023-05-15.

Conditions:
Autosomal recessive limb-girdle muscular dystrophy type 2P. Also called: MUSCULAR DYSTROPHY-DYSTROGLYCANOPATHY, LIMB-GIRDLE, DAG1-RELATED; Limb-Girdle Muscular Dystrophy Type 9C; MUSCULAR DYSTROPHY, LIMB-GIRDLE, TYPE 2P. Identifiers: Orphanet 280333, MedGen C4511963, MONDO:0013440, OMIM 613818.
Muscular dystrophy-dystroglycanopathy (congenital with brain and eye anomalies), type A9. Also called: Muscular dystrophy-dystroglycanopathy (congenital with brain and eye anomalies), type a, 9; WALKER-WARBURG SYNDROME OR MUSCLE-EYE BRAIN DISEASE, DAG1-RELATED. Identifiers: Orphanet 370997, Orphanet 899, MedGen C4225291, MONDO:0014683, OMIM 616538.
DAG1-related disorder. Also called: DAG1-related condition.

Allele frequency attached by ClinVar (database versions not stated): gnomAD 0.00001; TOPMed 0.00001; gnomAD exomes 0.00008; ExAC 0.00013.
gnomAD v4.1: 36 of 1,613,890 alleles (0.0022%); highest among the groups gnomAD compares: Non-Finnish European, 0.0025%; no homozygotes.

Submissions (3):

Labcorp Genetics (formerly Invitae), Labcorp
Classification: Likely benign for Autosomal recessive limb-girdle muscular dystrophy type 2P; Muscular dystrophy-dystroglycanopathy (congenital with brain and eye anomalies), type A9. Last evaluated: 2023-05-15. Review status: criteria provided, single submitter. Criteria: Invitae Variant Classification Sherloc (09022015). Collection method: clinical testing. Allele origin: germline.

Eurofins Ntd Llc (ga)
Classification: Uncertain significance. Last evaluated: 2016-12-25. Review status: criteria provided, single submitter. Criteria: EGL Classification Definitions 2015. Collection method: clinical testing. Allele origin: germline. Observed: 1 variant allele, 1 heterozygote.

PreventionGenetics, part of Exact Sciences
Classification: Likely benign for DAG1-related condition. Last evaluated: 2022-01-31. Review status: no assertion criteria provided. Collection method: clinical testing. Allele origin: germline. Not counted in ClinVar's aggregate classification.
Comment: This variant is classified as likely benign based on ACMG/AMP sequence variant interpretation guidelines (Richards et al. 2015 PMID: 25741868, with internal and published modifications).